The following is an entry in ClinVar:

NM_001080512.3(BICC1):c.774G>A (p.Gln258=)

Gene: BICC1 (BicC family RNA binding protein 1; plus strand). Cytogenetic location: 10q21.1.
Variant type: single nucleotide variant.
Coding change: c.774G>A on transcript NM_001080512.3 (MANE Select); coding-DNA position 774, G replaced by A.
Protein change: p.Gln258=; no amino-acid change (glutamine 258 retained).
Molecular consequence: synonymous variant.
Genome position (GRCh38, 1-based): chr10:58,789,435, G>A. VCF-style: chr10-58789435-G-A. GRCh37 (hg19) VCF-style: chr10-60549195-G-A.
Identifiers: ClinVar variation 4996731 (VCV004996731.1).

ClinVar aggregate classification (germline): Likely benign (1 of 4 stars; one submission).

Conditions:
BICC1-related disorder. Also called: BICC1-related condition.

gnomAD v4.1: 5 of 1,613,672 alleles (0.00031%); highest among the groups gnomAD compares: Non-Finnish European, 0.00034%; no homozygotes.

Submission:

PreventionGenetics, part of Exact Sciences
Classification: Likely benign for BICC1-related condition. Last evaluated: 2025-01-22. Review status: criteria provided, single submitter. Criteria: ACMG Guidelines, 2015. Collection method: clinical testing. Allele origin: germline.
Comment: This variant is classified as likely benign based on ACMG/AMP sequence variant interpretation guidelines (Richards et al. 2015 PMID: 25741868, with internal and published modifications).